The following is an entry in ClinVar:

NM_006306.4(SMC1A):c.851T>G (p.Ile284Ser)

Gene: SMC1A (structural maintenance of chromosomes 1A; minus strand). Cytogenetic location: Xp11.22.
Variant type: single nucleotide variant.
Coding change: c.851T>G on transcript NM_006306.4 (MANE Select); coding-DNA position 851, T replaced by G.
Protein change: p.Ile284Ser; replaces isoleucine 284 with serine.
Molecular consequence: missense variant.
Genome position (GRCh38, 1-based): chrX:53,412,903, A>C on the plus strand (T>G on the coding strand, the complement: SMC1A is on the minus strand). VCF-style: chrX-53412903-A-C. GRCh37 (hg19) VCF-style: chrX-53439853-A-C.
Other names: c.785T>G, p.Ile262Ser (NM_001281463.1); short protein forms I284S, I262S.
Identifiers: ClinVar variation 4741326 (VCV004741326.1).

ClinVar aggregate classification (germline): Uncertain significance (1 of 4 stars; one submission).

Conditions:
Congenital muscular hypertrophy-cerebral syndrome (CDLS2). Also called: SMC1A-Related Cornelia de Lange Syndrome; Cornelia de Lange syndrome 2. Identifiers: Orphanet 199, MedGen C1802395, MONDO:0010370, OMIM 300590.

Submission:

Labcorp Genetics (formerly Invitae), Labcorp
Classification: Uncertain significance for Congenital muscular hypertrophy-cerebral syndrome. Last evaluated: 2025-03-05. Review status: criteria provided, single submitter. Criteria: Invitae Variant Classification Sherloc (09022015). Collection method: clinical testing. Allele origin: germline.
Comment: This sequence change replaces isoleucine, which is neutral and non-polar, with serine, which is neutral and polar, at codon 284 of the SMC1A protein (p.Ile284Ser). This variant is not present in population databases (gnomAD no frequency). This variant has not been reported in the literature in individuals affected with SMC1A-related conditions. Invitae Evidence Modeling of protein sequence and biophysical properties (such as structural, functional, and spatial information, amino acid conservation, physicochemical variation, residue mobility, and thermodynamic stability) has been performed for this missense variant. However, the output from this modeling did not meet the statistical confidence thresholds required to predict the impact of this variant on SMC1A protein function. In summary, the available evidence is currently insufficient to determine the role of this variant in disease. Therefore, it has been classified as a Variant of Uncertain Significance.